The following is an entry in ClinVar:

NM_004984.4(KIF5A):c.249T>G (p.Phe83Leu)

Gene: KIF5A (kinesin family member 5A; plus strand). Cytogenetic location: 12q13.3.
Variant type: single nucleotide variant.
Coding change: c.249T>G on transcript NM_004984.4 (MANE Select); coding-DNA position 249, T replaced by G.
Protein change: p.Phe83Leu; replaces phenylalanine 83 with leucine.
Molecular consequence: missense variant. On other transcripts: intron variant (1).
Genome position (GRCh38, 1-based): chr12:57,563,651, T>G. VCF-style: chr12-57563651-T-G. GRCh37 (hg19) VCF-style: chr12-57957434-T-G.
Other names: c.130-809T>G (NM_001354705.2); short protein forms F83L.
Identifiers: ClinVar variation 3896390 (VCV003896390.2).

ClinVar aggregate classification (germline): Uncertain significance (1 of 4 stars; one submission).

Submission:

Women's Health and Genetics/Laboratory Corporation of America, LabCorp
Classification: Uncertain significance. Last evaluated: 2025-04-09. Review status: criteria provided, single submitter. Criteria: LabCorp Variant Classification Summary - May 2015. Collection method: clinical testing. Allele origin: germline.
Comment: Variant summary: KIF5A c.249T>G (p.Phe83Leu) results in a non-conservative amino acid change in the encoded protein sequence. Four of five in-silico tools predict a damaging effect of the variant on protein function. The variant was absent in 251476 control chromosomes. The available data on variant occurrences in the general population are insufficient to allow any conclusion about variant significance. To our knowledge, no occurrence of c.249T>G in individuals affected with Spastic Paraglegia 10 and no experimental evidence demonstrating its impact on protein function have been reported. No submitters have cited clinical-significance assessments for this variant to ClinVar. Based on the evidence outlined above, the variant was classified as uncertain significance.